The following is an entry in ClinVar:

ClinVar aggregate classification (germline): Likely benign. Review status: criteria provided, multiple submitters, no conflicts (2 of 4 stars). 4 submissions from 4 submitters: Likely benign (3). 1 of the submissions does not count toward it. Last evaluated 2026-03-01.

Conditions:
PLK4-related disorder. Also called: PLK4-related condition.

Allele frequency attached by ClinVar (database versions not stated): gnomAD exomes 0.00003 and 0.00006; ExAC 0.00008; 1000 Genomes Project 30x 0.00016; 1000 Genomes Project 0.00020; gnomAD 0.00024 and 0.00026; TOPMed 0.00036; ESP Exome Variant Server 0.00038.
gnomAD v4.1: 76 of 1,613,598 alleles (0.0047%); highest among the groups gnomAD compares: African/African-American, 0.093%; no homozygotes.

Submissions (4):

CeGaT Center for Human Genetics Tuebingen
Classification: Likely benign. Last evaluated: 2026-03-01. Review status: criteria provided, single submitter. Criteria: CeGaT Center For Human Genetics Tuebingen Variant Classification Criteria Version 2. Collection method: clinical testing. Allele origin: germline. Affected: yes. Observed: 1 variant allele.
Comment: PLK4: BP4, BP7

Labcorp Genetics (formerly Invitae), Labcorp
Classification: Likely benign. Last evaluated: 2025-11-08. Review status: criteria provided, single submitter. Criteria: Invitae Variant Classification Sherloc (09022015). Collection method: clinical testing. Allele origin: germline.

Blueprint Genetics
Classification: Likely benign. Last evaluated: 2024-11-13. Review status: criteria provided, single submitter. Criteria: ACMG Guidelines, 2015. Collection method: clinical testing. Allele origin: germline.

PreventionGenetics, part of Exact Sciences
Classification: Likely benign for PLK4-related condition. Last evaluated: 2019-08-07. Review status: no assertion criteria provided. Collection method: clinical testing. Allele origin: germline. Not counted in ClinVar's aggregate classification.
Comment: This variant is classified as likely benign based on ACMG/AMP sequence variant interpretation guidelines (Richards et al. 2015 PMID: 25741868, with internal and published modifications).

NM_014264.5(PLK4):c.373T>C (p.Leu125=)

Gene: PLK4 (polo like kinase 4; plus strand). Cytogenetic location: 4q28.1.
Variant type: single nucleotide variant.
Coding change: c.373T>C on transcript NM_014264.5 (MANE Select); coding-DNA position 373, T replaced by C.
Protein change: p.Leu125=; no amino-acid change (leucine 125 retained).
Molecular consequence: synonymous variant.
Genome position (GRCh38, 1-based): chr4:127,885,743, T>C. VCF-style: chr4-127885743-T-C. GRCh37 (hg19) VCF-style: chr4-128806898-T-C.
Other names: c.277T>C, p.Leu93= (NM_001190799.2); c.250T>C, p.Leu84= (NM_001190801.2); c.373T>C (NM_014264.4).
Identifiers: ClinVar variation 1135191 (VCV001135191.14), dbSNP rs146947866, ClinGen allele CA3076570.